The following is an entry in ClinVar:

ClinVar aggregate classification (germline): Benign/Likely benign. Review status: criteria provided, multiple submitters, no conflicts (2 of 4 stars). 3 submissions from 3 submitters: Benign (1); Likely benign (1). 1 of the submissions does not count toward it. Last evaluated 2025-06-17.

Conditions:
Congenital erythropoietic porphyria. Also called: GUNTHER DISEASE; UROS DEFICIENCY; Cutaneous porphyria; Congenital porphyria; Günther disease; Uroporphyrinogen III synthase, deficiency of. Identifiers: Orphanet 79277, MedGen C5886774, MONDO:0009902, OMIM 263700.
UROS-related disorder. Also called: UROS-related condition.

Allele frequency attached by ClinVar (database versions not stated): ESP Exome Variant Server 0.00254; gnomAD exomes 0.00051 and 0.00017; TOPMed 0.00220; ExAC 0.00064; 1000 Genomes Project 30x 0.00250; 1000 Genomes Project 0.00280; gnomAD 0.00209 and 0.00225.

Submissions (3):

Labcorp Genetics (formerly Invitae), Labcorp
Classification: Benign. Last evaluated: 2025-06-17. Review status: criteria provided, single submitter. Criteria: Invitae Variant Classification Sherloc (09022015). Collection method: clinical testing. Allele origin: germline.

Illumina Laboratory Services, Illumina
Classification: Likely benign for Congenital erythropoietic porphyria. Last evaluated: 2018-01-12. Review status: criteria provided, single submitter. Criteria: ICSL Variant Classification Criteria 13 December 2019. Collection method: clinical testing. Allele origin: germline.
Comment: This variant was observed in the ICSL laboratory as part of a predisposition screen in an ostensibly healthy population. It had not been previously curated by ICSL or reported in the Human Gene Mutation Database (HGMD: prior to June 1st, 2018), and was therefore a candidate for classification through an automated scoring system. Utilizing variant allele frequency, disease prevalence and penetrance estimates, and inheritance mode, an automated score was calculated to assess if this variant is too frequent to cause the disease. Based on the score and internal cut-off values, a variant classified as likely benign is not then subjected to further curation. The score for this variant resulted in a classification of likely benign for this disease.

PreventionGenetics, part of Exact Sciences
Classification: Benign for UROS-related condition. Last evaluated: 2019-12-09. Review status: no assertion criteria provided. Collection method: clinical testing. Allele origin: germline. Not counted in ClinVar's aggregate classification.
Comment: This variant is classified as benign based on ACMG/AMP sequence variant interpretation guidelines (Richards et al. 2015 PMID: 25741868, with internal and published modifications).

NM_000375.3(UROS):c.27G>A (p.Ala9=)

Gene: UROS (uroporphyrinogen III synthase; minus strand). Cytogenetic location: 10q26.2.
Variant type: single nucleotide variant.
Coding change: c.27G>A on transcript NM_000375.3 (MANE Select); coding-DNA position 27, G replaced by A.
Protein change: p.Ala9=; no amino-acid change (alanine 9 retained).
Molecular consequence: synonymous variant. On other transcripts: non-coding transcript variant (3).
Genome position (GRCh38, 1-based): chr10:125,816,473, C>T on the plus strand (G>A on the coding strand, the complement: UROS is on the minus strand). VCF-style: chr10-125816473-C-T. GRCh37 (hg19) VCF-style: chr10-127505042-C-T.
Other names: c.27G>A, p.Ala9= (NM_001324036.2, NM_001324037.2, NM_001324038.2 and 1 more transcripts).
Identifiers: ClinVar variation 299194 (VCV000299194.15), dbSNP rs150059279, ClinGen allele CA5738606.
Genomic context (GRCh38, chr10:125,816,473, plus strand): 5'-GATAAGGAGTCTCAGGCCACTTACCCTGATATACGGATCCTGGCCACAGTCATCTTCCTT[C>T]GCATCCTTCAGTAAAAGAACCTTCATTATTGCCTGGCAGTCCTTATAGGGCACTGCGACA-3'
Protein context (NP_000366.1, residues 1-19): MKVLLLKD[Ala9=]KEDDCGQDPY